The following is an entry in ClinVar:

ClinVar aggregate classification (germline): Uncertain significance (1 of 4 stars; one submission).

Allele frequency attached by ClinVar (database versions not stated): gnomAD 0.00001; 1000 Genomes Project 30x 0.00016; 1000 Genomes Project 0.00020.

Submission:

Labcorp Genetics (formerly Invitae), Labcorp
Classification: Uncertain significance. Last evaluated: 2021-12-08. Review status: criteria provided, single submitter. Criteria: Invitae Variant Classification Sherloc (09022015). Collection method: clinical testing. Allele origin: germline.
Comment: This variant has not been reported in the literature in individuals affected with NUP107-related conditions. This variant is not present in population databases (gnomAD no frequency). This sequence change replaces glutamic acid, which is acidic and polar, with lysine, which is basic and polar, at codon 237 of the NUP107 protein (p.Glu237Lys). In summary, the available evidence is currently insufficient to determine the role of this variant in disease. Therefore, it has been classified as a Variant of Uncertain Significance. Algorithms developed to predict the effect of missense changes on protein structure and function are either unavailable or do not agree on the potential impact of this missense change (SIFT: "Not Available"; PolyPhen-2: "Possibly Damaging"; Align-GVGD: "Not Available").

NM_020401.4(NUP107):c.709G>A (p.Glu237Lys)

Gene: NUP107 (nucleoporin 107; plus strand). Cytogenetic location: 12q15.
Variant type: single nucleotide variant.
Coding change: c.709G>A on transcript NM_020401.4 (MANE Select); coding-DNA position 709, G replaced by A.
Protein change: p.Glu237Lys; replaces glutamic acid 237 with lysine.
Molecular consequence: missense variant.
Genome position (GRCh38, 1-based): chr12:68,702,764, G>A. VCF-style: chr12-68702764-G-A. GRCh37 (hg19) VCF-style: chr12-69096544-G-A.
Other names: c.622G>A, p.Glu208Lys (NM_001330192.2); short protein forms E237K, E208K.
Identifiers: ClinVar variation 1392650 (VCV001392650.6), dbSNP rs560440327, ClinGen allele CA238438609.